The following is an entry in ClinVar:

ClinVar aggregate classification (germline): Likely pathogenic (1 of 4 stars; one submission).

Submission:

Labcorp Genetics (formerly Invitae), Labcorp
Classification: Likely pathogenic. Last evaluated: 2020-06-01. Review status: criteria provided, single submitter. Criteria: Invitae Variant Classification Sherloc (09022015). Collection method: clinical testing. Allele origin: germline.
Comment: This variant is not present in population databases (ExAC no frequency). This variant has not been reported in the literature in individuals with COL7A1-related conditions. Algorithms developed to predict the effect of sequence changes on RNA splicing suggest that this variant may disrupt the consensus splice site, but this prediction has not been confirmed by published transcriptional studies. Donor and acceptor splice site variants typically lead to a loss of protein function (PMID: 16199547), and loss-of-function variants in COL7A1 are known to be pathogenic (PMID: 16971478). In summary, the currently available evidence indicates that the variant is pathogenic, but additional data are needed to prove that conclusively. Therefore, this variant has been classified as Likely Pathogenic. This sequence change affects a donor splice site in intron 91 of the COL7A1 gene. It is expected to disrupt RNA splicing and likely results in an absent or disrupted protein product.

Literature cited by the submitters: PubMed 16199547; PubMed 16971478.

NM_000094.4(COL7A1):c.7068+2_7068+3del

Gene: COL7A1 (collagen type VII alpha 1 chain; minus strand). Cytogenetic location: 3p21.31.
Variant type: Microsatellite.
Coding change: c.7068+2_7068+3del on transcript NM_000094.4 (MANE Select); the canonical splice donor site of the intron after coding-DNA position 7068 through 3 bases into the intron after coding-DNA position 7068, 2 bases deleted (TG; older notation c.7068+2_7068+3delTG).
Molecular consequence: splice donor variant.
Genome position (GRCh38, 1-based): chr3:48,571,998-48,571,999, CA deleted on the plus strand (TG on the coding strand, the reverse complement: COL7A1 is on the minus strand); deleting any 2 consecutive bases within chr3:48,571,998-48,572,001 gives the same sequence; the c. name uses the placement nearest the transcript's 3' end. VCF-style (leftmost placement, unchanged base first): chr3-48571997-TCA-T. GRCh37 (hg19) VCF-style: chr3-48609430-TCA-T.
Identifiers: ClinVar variation 1066652 (VCV001066652.5), dbSNP rs2107654116, ClinGen allele CA2580614227.
Genomic context (GRCh38, chr3:48,571,997, plus strand): 5'-GCCCCTTATGCCCGCCATCACACTCCTCAGGCCAGGCTCGCCCTTGCCTAGGCCCCGGAC[TCA>T]CATCTTCCCCAGGGTCTCCGGGCTCCCCTGCACGGCCAGCTTCACCCTGCACAGAATGGC-3'